The following is an entry in ClinVar:

NM_003079.5(SMARCE1):c.1129A>C (p.Met377Leu)

Gene: SMARCE1 (SWI/SNF related BAF chromatin remodeling complex subunit E1; minus strand). Cytogenetic location: 17q21.2.
Variant type: single nucleotide variant.
Coding change: c.1129A>C on transcript NM_003079.5 (MANE Select); coding-DNA position 1129, A replaced by C.
Protein change: p.Met377Leu; replaces methionine 377 with leucine.
Molecular consequence: missense variant.
Genome position (GRCh38, 1-based): chr17:40,628,892, T>G on the plus strand (A>C on the coding strand, the complement: SMARCE1 is on the minus strand). VCF-style: chr17-40628892-T-G. GRCh37 (hg19) VCF-style: chr17-38785144-T-G.
Other names: short protein forms M377L.
Identifiers: ClinVar variation 3446160 (VCV003446160.1).
Genomic context (GRCh38, chr17:40,628,892, plus strand): 5'-CCACTGTTGCACTGTTGCTCTCCGAGCCAGTGTTACTATCACTGGTTCCTTCCTCTGCCA[T>G]ACTGTCGACCCCCTCCTGCCCACTCTCCTTGTCCTCAGGAGTAGACGTGCCTTCTTCACC-3'
Protein context (NP_003070.3, residues 367-387): KESGQEGVDS[Met377Leu]AEEGTSDSNT

ClinVar aggregate classification (germline): Uncertain significance (1 of 4 stars; one submission).

Conditions:
Hereditary cancer-predisposing syndrome. Also called: Tumor predisposition; Neoplastic Syndromes, Hereditary; Hereditary neoplastic syndrome; Hereditary Cancer Syndrome. Identifiers: Orphanet 140162, MedGen C0027672, MeSH D009386, MONDO:0015356.

Submission:

Ambry Genetics
Classification: Uncertain significance for Hereditary cancer-predisposing syndrome. Last evaluated: 2024-12-07. Review status: criteria provided, single submitter. Criteria: Ambry Variant Classification Scheme 2023. Collection method: clinical testing. Allele origin: germline.
Comment: The p.M377L variant (also known as c.1129A>C), located in coding exon 10 of the SMARCE1 gene, results from an A to C substitution at nucleotide position 1129. The methionine at codon 377 is replaced by leucine, an amino acid with highly similar properties. This amino acid position is conserved. In addition, this alteration is predicted to be tolerated by in silico analysis. Based on the available evidence, the clinical significance of this variant remains unclear.